The following is an entry in ClinVar:

NM_025114.4(CEP290):c.1589A>G (p.Gln530Arg)

Gene: CEP290 (centrosomal protein 290; minus strand). Cytogenetic location: 12q21.32.
Variant type: single nucleotide variant.
Coding change: c.1589A>G on transcript NM_025114.4 (MANE Select); coding-DNA position 1589, A replaced by G.
Protein change: p.Gln530Arg; replaces glutamine 530 with arginine.
Molecular consequence: missense variant.
Genome position (GRCh38, 1-based): chr12:88,118,677, T>C on the plus strand (A>G on the coding strand, the complement: CEP290 is on the minus strand). VCF-style: chr12-88118677-T-C. GRCh37 (hg19) VCF-style: chr12-88512454-T-C.
Other names: short protein forms Q530R.
Identifiers: ClinVar variation 1037556 (VCV001037556.4), dbSNP rs1390141039, ClinGen allele CA385979262.
Genomic context (GRCh38, chr12:88,118,677, plus strand): 5'-AATAATCAACTGACTACCACACTTGCCTCTTTCAAAAGAATCTGGTTTTCAGCTCTGTAC[T>C]GCTGCTGTTTTAAGTGTTTGCTATTTCTAAATTCAGTTAAATCAATCATTGTCTTTGGTT-3'
Protein context (NP_079390.3, residues 520-540): FRNSKHLKQQ[Gln530Arg]YRAENQILLK

ClinVar aggregate classification (germline): Uncertain significance. Review status: criteria provided, single submitter (1 of 4 stars). 2 submissions from 2 submitters: Uncertain significance (1). 1 of the submissions does not count toward it. Last evaluated 2025-01-13.

Conditions:
Joubert syndrome. Also called: Familial aplasia of the vermis; CEREBELLOPARENCHYMAL DISORDER IV; JOUBERT-BOLTSHAUSER SYNDROME. Identifiers: Orphanet 475, MedGen C5979921, MONDO:0018772.
Meckel-Gruber syndrome. Also called: Dysencephalia splachnocystica; DYSENCEPHALIA SPLANCHNOCYSTICA; GRUBER SYNDROME. Identifiers: Orphanet 564, MedGen C0265215, MONDO:0018921.
Nephronophthisis. Also called: Juvenile Nephronophthisis. Identifiers: Orphanet 655, MedGen C0687120, MONDO:0019005, HP:0000090.
Leber congenital amaurosis (LCA). Also called: Leber's amaurosis. Identifiers: Orphanet 65, MedGen C0339527, MeSH D057130, MONDO:0018998.

Allele frequency attached by ClinVar (database versions not stated): gnomAD exomes below 0.00001; TOPMed 0.00001.
gnomAD v4.1: 2 of 1,613,570 alleles (0.00012%); highest among the groups gnomAD compares: Admixed American, 0.0033%; no homozygotes.

Submissions (2):

Labcorp Genetics (formerly Invitae), Labcorp
Classification: Uncertain significance for Joubert syndrome; Meckel-Gruber syndrome; Nephronophthisis. Last evaluated: 2025-01-13. Review status: criteria provided, single submitter. Criteria: Invitae Variant Classification Sherloc (09022015). Collection method: clinical testing. Allele origin: germline.
Comment: This sequence change replaces glutamine, which is neutral and polar, with arginine, which is basic and polar, at codon 530 of the CEP290 protein (p.Gln530Arg). This variant is present in population databases (no rsID available, gnomAD 0.003%). This variant has not been reported in the literature in individuals affected with CEP290-related conditions. ClinVar contains an entry for this variant (Variation ID: 1037556). Invitae Evidence Modeling of protein sequence and biophysical properties (such as structural, functional, and spatial information, amino acid conservation, physicochemical variation, residue mobility, and thermodynamic stability) indicates that this missense variant is not expected to disrupt CEP290 protein function with a negative predictive value of 80%. In summary, the available evidence is currently insufficient to determine the role of this variant in disease. Therefore, it has been classified as a Variant of Uncertain Significance.

Natera, Inc.
Classification: Uncertain significance for Leber congenital amaurosis. Last evaluated: 2020-09-29. Review status: no assertion criteria provided. Collection method: clinical testing. Allele origin: germline. Not counted in ClinVar's aggregate classification.